The following is an entry in ClinVar:

ClinVar aggregate classification (germline): Uncertain significance (1 of 4 stars; one submission).

Conditions:
Hereditary cancer-predisposing syndrome. Also called: Tumor predisposition; Neoplastic Syndromes, Hereditary; Hereditary Cancer Syndrome; Hereditary neoplastic syndrome. Identifiers: Orphanet 140162, MedGen C0027672, MeSH D009386, MONDO:0015356.

Submission:

Ambry Genetics
Classification: Uncertain significance for Hereditary cancer-predisposing syndrome. Last evaluated: 2025-02-24. Review status: criteria provided, single submitter. Criteria: Ambry Variant Classification Scheme 2023. Collection method: clinical testing. Allele origin: germline.
Comment: The p.I221T variant (also known as c.662T>C), located in coding exon 6 of the APC gene, results from a T to C substitution at nucleotide position 662. The isoleucine at codon 221 is replaced by threonine, an amino acid with similar properties. This amino acid position is conserved. In addition, in silico predictors for this gene do not accurately predict pathogenicity. Based on the available evidence, the clinical significance of this variant remains unclear.

NM_000038.6(APC):c.662T>C (p.Ile221Thr)

Gene: APC (APC regulator of Wnt signaling pathway; plus strand). Cytogenetic location: 5q22.2.
Variant type: single nucleotide variant.
Coding change: c.662T>C on transcript NM_000038.6 (MANE Select); coding-DNA position 662, T replaced by C.
Protein change: p.Ile221Thr; replaces isoleucine 221 with threonine.
Molecular consequence: missense variant. On other transcripts: 5 prime UTR variant (4), non-coding transcript variant (2), intron variant (5).
Genome position (GRCh38, 1-based): chr5:112,792,462, T>C. VCF-style: chr5-112792462-T-C. GRCh37 (hg19) VCF-style: chr5-112128159-T-C.
Other names: c.662T>C, p.Ile221Thr (NM_001127510.3, NM_001354895.2, NM_001354896.2 and 12 more transcripts); c.692T>C, p.Ile231Thr (NM_001354897.2, NM_001354902.2, NM_001407446.1); c.587T>C, p.Ile196Thr (NM_001354898.2, NM_001354904.2, NM_001407451.1); c.485T>C, p.Ile162Thr (NM_001354900.2, NM_001354901.2, NM_001354905.2 and 1 more transcripts); c.-374T>C (NM_001354906.2, NM_001407470.1, NM_001407471.1 and 1 more transcripts); c.646-8817T>C (NM_001407452.1, NM_001407469.1, NM_001354899.2 and 1 more transcripts); c.676-8817T>C (NM_001127511.3); short protein forms I231T, I196T, I162T, I221T.
Identifiers: ClinVar variation 3882581 (VCV003882581.1).